The following is an entry in ClinVar:

NM_001352027.3(PHF21A):c.146A>C (p.Glu49Ala)

Gene: PHF21A (PHD finger protein 21A; minus strand). Cytogenetic location: 11p11.2.
Variant type: single nucleotide variant.
Coding change: c.146A>C on transcript NM_001352027.3 (MANE Select); coding-DNA position 146, A replaced by C.
Protein change: p.Glu49Ala; replaces glutamic acid 49 with alanine.
Molecular consequence: missense variant. On other transcripts: non-coding transcript variant (2).
Genome position (GRCh38, 1-based): chr11:46,076,761, T>G on the plus strand (A>C on the coding strand, the complement: PHF21A is on the minus strand). VCF-style: chr11-46076761-T-G. GRCh37 (hg19) VCF-style: chr11-46098312-T-G.
Other names: c.146A>C, p.Glu49Ala (NM_001101802.3, NM_001352025.3, NM_001352026.3 and 6 more transcripts); short protein forms E49A.
Identifiers: ClinVar variation 1878592 (VCV001878592.1), dbSNP rs2504348228, ClinGen allele CA380419772.

ClinVar aggregate classification (germline): Uncertain significance (1 of 4 stars; one submission).

Conditions:
Intellectual developmental disorder with behavioral abnormalities and craniofacial dysmorphism with or without seizures. Identifiers: MedGen C5231476, MONDO:0032883, OMIM 618725.

Submission:

Neuberg Centre For Genomic Medicine, NCGM
Classification: Uncertain significance for Intellectual developmental disorder with behavioral abnormalities and craniofacial dysmorphism with or without seizures. Review status: criteria provided, single submitter. Criteria: ACMG Guidelines, 2015. Collection method: clinical testing. Allele origin: germline. Affected: yes.
Comment: The missense variant p.E49A in PHF21A (NM_001101802.1) has not been reported previously as a pathogenic variant nor as a benign variant, to our knowledge. The p.E49A variant is novel (not in any individuals) in gnomAD Exomes and is novel(not in any individuals) in 1000 Genomes. There is a moderate physicochemical difference between glutamic acid and alanine. The p.E49A missense variant is predicted to be damaging by both SIFT and PolyPhen2. The glutamic acid residue at codon 49 of PHF21Ais conserved in all mammalian species. The nucleotide c.146 in PHF21A is predicted conserved by GERP++ and PhyloP across 100 vertebrates. For these reasons, this variant has been classified as Uncertain Significance.